The following is an entry in ClinVar:

ClinVar aggregate classification (germline): Likely benign. Review status: criteria provided, multiple submitters, no conflicts (2 of 4 stars). 4 submissions from 4 submitters: Likely benign (3). 1 of the submissions does not count toward it. Last evaluated 2026-01-08.

Conditions:
Cardiovascular phenotype. Identifiers: MedGen CN230736.
Hypercholesterolemia, autosomal dominant, type B (FHCL2). Also called: APOB-Related Familial Hypercholesterolemia, Autosomal Dominant; Hyperlipoproteinemia Type IIb; Familial Hypercholesterolemia Type B; APOLIPOPROTEIN B-100, FAMILIAL DEFECTIVE; APOLIPOPROTEIN B-100, FAMILIAL LIGAND-DEFECTIVE; Familial hypercholesterolemia 2. Identifiers: MedGen C1704417, MONDO:0007751, OMIM 144010.
Familial hypobetalipoproteinemia 1. Also called: APOB-Related Familial Hypobetalipoproteinemia; Hypobetalipoproteinemia, normotriglyceridemic; Acanthocytosis with hypobetalipoproteinemia. Identifiers: MedGen C4551990, MONDO:0014252, OMIM 615558.
Familial hypercholesterolemia. Also called: Familial hypercholesterolemias; Familial hypercholesterolaemia. Identifiers: MedGen C0020445, MONDO:0005439.
APOB-related disorder. Also called: APOB-related disorders; APOB-related condition.

Allele frequency attached by ClinVar (database versions not stated): ESP Exome Variant Server 0.00008; TOPMed below 0.00001; ExAC 0.00003; gnomAD exomes 0.00004.
gnomAD v4.1: 81 of 1,614,112 alleles (0.005%); highest among the groups gnomAD compares: Non-Finnish European, 0.0067%; no homozygotes.

Submissions (4):

Labcorp Genetics (formerly Invitae), Labcorp
Classification: Likely benign for Familial hypobetalipoproteinemia 1; Hypercholesterolemia, autosomal dominant, type B. Last evaluated: 2026-01-08. Review status: criteria provided, single submitter. Criteria: Invitae Variant Classification Sherloc (09022015). Collection method: clinical testing. Allele origin: germline.

GENinCode PLC
Classification: Likely benign for Familial hypercholesterolemia. Last evaluated: 2024-01-17. Review status: criteria provided, single submitter. Criteria: ACMG Guidelines, 2015. Collection method: clinical testing. Allele origin: germline.
Comment: This is a synonymous (silent) variant that is not predicted by SpliceAI to impact splicing. In addition, it occurs at a nucleotide that is not conserved. Therefore this variant has been classified as Likely Benign (BP4, BP7).

Ambry Genetics
Classification: Likely benign for Cardiovascular phenotype. Last evaluated: 2022-04-09. Review status: criteria provided, single submitter. Criteria: Ambry Variant Classification Scheme 2023. Collection method: clinical testing. Allele origin: germline.

PreventionGenetics, part of Exact Sciences
Classification: Likely benign for APOB-related condition. Last evaluated: 2019-06-04. Review status: no assertion criteria provided. Collection method: clinical testing. Allele origin: germline. Not counted in ClinVar's aggregate classification.
Comment: This variant is classified as likely benign based on ACMG/AMP sequence variant interpretation guidelines (Richards et al. 2015 PMID: 25741868, with internal and published modifications).

NM_000384.3(APOB):c.5022G>A (p.Glu1674=)

Gene: APOB (apolipoprotein B; minus strand). Cytogenetic location: 2p24.1.
Variant type: single nucleotide variant.
Coding change: c.5022G>A on transcript NM_000384.3 (MANE Select); coding-DNA position 5022, G replaced by A.
Protein change: p.Glu1674=; no amino-acid change (glutamic acid 1674 retained).
Molecular consequence: synonymous variant.
Genome position (GRCh38, 1-based): chr2:21,011,846, C>T on the plus strand (G>A on the coding strand, the complement: APOB is on the minus strand). VCF-style: chr2-21011846-C-T. GRCh37 (hg19) VCF-style: chr2-21234718-C-T.
Identifiers: ClinVar variation 630302 (VCV000630302.15), dbSNP rs367718499, ClinGen allele CA061524.